The following is an entry in ClinVar:

ClinVar aggregate classification (germline): Uncertain significance (1 of 4 stars; one submission).

Submission:

GeneDx
Classification: Uncertain significance. Last evaluated: 2023-11-17. Review status: criteria provided, single submitter. Criteria: GeneDx Variant Classification Process June 2021. Collection method: clinical testing. Allele origin: germline. Affected: yes.
Comment: Not observed at significant frequency in large population cohorts (gnomAD); In silico analysis suggests this variant may impact gene splicing. In the absence of RNA/functional studies, the actual effect of this sequence change is unknown.; Has not been previously published as pathogenic or benign to our knowledge

NM_015100.4(POGZ):c.1185T>C (p.Cys395=)

Gene: POGZ (pogo transposable element derived with ZNF domain; minus strand). Cytogenetic location: 1q21.3.
Variant type: single nucleotide variant.
Coding change: c.1185T>C on transcript NM_015100.4 (MANE Select); coding-DNA position 1185, T replaced by C.
Protein change: p.Cys395=; no amino-acid change (cysteine 395 retained).
Molecular consequence: synonymous variant.
Genome position (GRCh38, 1-based): chr1:151,424,955, A>G on the plus strand (T>C on the coding strand, the complement: POGZ is on the minus strand). VCF-style: chr1-151424955-A-G. GRCh37 (hg19) VCF-style: chr1-151397431-A-G.
Other names: c.1158T>C, p.Cys386= (NM_001194937.2); c.999T>C, p.Cys333= (NM_001194938.2); c.1206T>C, p.Cys402= (NM_001410860.1); c.900T>C, p.Cys300= (NM_145796.4); c.1026T>C, p.Cys342= (NM_207171.2).
Identifiers: ClinVar variation 3364545 (VCV003364545.1).